The following is an entry in ClinVar:

NM_001256545.2(MEGF10):c.2431G>C (p.Asp811His)

Gene: MEGF10 (multiple EGF like domains 10; plus strand). Cytogenetic location: 5q23.2.
Variant type: single nucleotide variant.
Coding change: c.2431G>C on transcript NM_001256545.2 (MANE Select); coding-DNA position 2431, G replaced by C.
Protein change: p.Asp811His; replaces aspartic acid 811 with histidine.
Molecular consequence: missense variant.
Genome position (GRCh38, 1-based): chr5:127,443,066, G>C. VCF-style: chr5-127443066-G-C. GRCh37 (hg19) VCF-style: chr5-126778758-G-C.
Other names: c.2431G>C, p.Asp811His (NM_032446.3); short protein forms D811H.
Identifiers: ClinVar variation 472736 (VCV000472736.9), dbSNP rs1554102007, ClinGen allele CA360734365.

ClinVar aggregate classification (germline): Uncertain significance (1 of 4 stars; one submission).

Conditions:
MEGF10-related myopathy (CMYO10A). Also called: Congenital myopathy 10A, severe variant. Identifiers: Orphanet 439212, MedGen C3280679, MONDO:0013731, OMIM 614399.

Submission:

Labcorp Genetics (formerly Invitae), Labcorp
Classification: Uncertain significance for MEGF10-related myopathy. Last evaluated: 2017-05-06. Review status: criteria provided, single submitter. Criteria: Invitae Variant Classification Sherloc (09022015). Collection method: clinical testing. Allele origin: germline.
Comment: In summary, this variant is a novel missense change with uncertain impact on protein function. It has been classified as a Variant of Uncertain Significance. Algorithms developed to predict the effect of missense changes on protein structure and function (SIFT, PolyPhen-2, Align-GVGD) all suggest that this variant is likely to be disruptive, but these predictions have not been confirmed by published functional studies. This variant is not present in population databases (ExAC no frequency) and has not been reported in the literature in individuals with a MEGF10-related disease. This sequence change replaces aspartic acid with histidine at codon 811 of the MEGF10 protein (p.Asp811His). The aspartic acid residue is highly conserved and there is a moderate physicochemical difference between aspartic acid and histidine.